The following is an entry in ClinVar:

NM_014991.6(WDFY3):c.8618A>C (p.Lys2873Thr)

Gene: WDFY3 (WD repeat and FYVE domain containing 3; minus strand). Cytogenetic location: 4q21.23.
Variant type: single nucleotide variant.
Coding change: c.8618A>C on transcript NM_014991.6 (MANE Select); coding-DNA position 8618, A replaced by C.
Protein change: p.Lys2873Thr; replaces lysine 2873 with threonine.
Molecular consequence: missense variant.
Genome position (GRCh38, 1-based): chr4:84,696,802, T>G on the plus strand (A>C on the coding strand, the complement: WDFY3 is on the minus strand). VCF-style: chr4-84696802-T-G. GRCh37 (hg19) VCF-style: chr4-85617955-T-G.
Other names: short protein forms K2873T.
Identifiers: ClinVar variation 2228990 (VCV002228990.2), dbSNP rs2530931473, ClinGen allele CA357539054.

ClinVar aggregate classification (germline): Uncertain significance (1 of 4 stars; one submission).

Conditions:
Inborn genetic diseases. Identifiers: MedGen C0950123, MeSH D030342.

Submission:

Ambry Genetics
Classification: Uncertain significance for Inborn genetic diseases. Last evaluated: 2021-02-12. Review status: criteria provided, single submitter. Criteria: Ambry Variant Classification Scheme 2023. Collection method: clinical testing. Allele origin: germline.
Comment: The c.8618A>C (p.K2873T) alteration is located in exon 57 (coding exon 54) of the WDFY3 gene. This alteration results from a A to C substitution at nucleotide position 8618, causing the lysine (K) at amino acid position 2873 to be replaced by a threonine (T). The p.K2873T alteration is predicted to be tolerated by in silico analysis. Based on insufficient or conflicting evidence, the clinical significance of this alteration remains unclear.